The following is an entry in ClinVar:

ClinVar aggregate classification (germline): Likely benign. Review status: reviewed by expert panel (3 of 4 stars). 7 submissions from 7 submitters: Likely benign (1). 6 of the submissions do not count toward it. Last evaluated 2017-06-29.

Conditions:
Hereditary cancer-predisposing syndrome. Also called: Hereditary neoplastic syndrome; Neoplastic Syndromes, Hereditary; Tumor predisposition; Hereditary Cancer Syndrome. Identifiers: Orphanet 140162, MedGen C0027672, MeSH D009386, MONDO:0015356.
Hereditary breast ovarian cancer syndrome. Also called: BRCA1- and BRCA2-Associated Hereditary Breast and Ovarian Cancer; Hereditary breast and/or ovarian cancer syndrome; Breast and ovarian cancer; Hereditary breast and ovarian cancer syndrome (HBOC); Hereditary breast and ovarian cancer syndrome; Hereditary breast and ovarian cancer. Identifiers: Orphanet 145, MedGen C0677776, MeSH D061325, MONDO:0003582. Disease mechanism: loss of function.
Breast-ovarian cancer, familial, susceptibility to, 1 (BROVCA1). Also called: BRCA1 Hereditary Breast and Ovarian Cancer; OVARIAN CANCER, SUSCEPTIBILITY TO. Identifiers: Orphanet 145, MedGen C2676676, MONDO:0011450, OMIM 604370. Disease mechanism: loss of function.

Allele frequency attached by ClinVar (database versions not stated): gnomAD exomes below 0.00001.

Submissions (8):

Evidence-based Network for the Interpretation of Germline Mutant Alleles (ENIGMA)
Classification: Likely benign for Breast-ovarian cancer, familial, susceptibility to, 1. Last evaluated: 2017-06-29. Review status: reviewed by expert panel. Criteria: ENIGMA BRCA1/2 Classification Criteria (2017-06-29). Collection method: curation. Allele origin: germline.
Comment: Synonymous substitution variant, with low bioinformatic likelihood to result in a splicing aberration (Splicing prior probability 0.02).

Labcorp Genetics (formerly Invitae), Labcorp
Classification: Uncertain significance for Hereditary breast ovarian cancer syndrome. Last evaluated: 2026-01-31. Review status: criteria provided, single submitter. Criteria: Invitae Variant Classification Sherloc (09022015). Collection method: clinical testing. Allele origin: germline. Not counted in ClinVar's aggregate classification.
Comment: This sequence change affects codon 1822 of the BRCA1 mRNA. It is a 'silent' change, meaning that it does not change the encoded amino acid sequence of the BRCA1 protein. It affects a nucleotide within the consensus splice site. This variant is not present in population databases (gnomAD no frequency). This variant has not been reported in the literature in individuals affected with BRCA1-related conditions. ClinVar contains an entry for this variant (Variation ID: 323421). Algorithms developed to predict the effect of variants on gene product structure and function are not available or were not evaluated for this variant. Experimental studies have shown that this variant does not substantially affect BRCA1 function (PMID: 30209399). Algorithms developed to predict the effect of sequence changes on RNA splicing suggest that this variant is not likely to affect RNA splicing. In summary, the available evidence is currently insufficient to determine the role of this variant in disease. Therefore, it has been classified as a Variant of Uncertain Significance.

All of Us Research Program, National Institutes of Health
Classification: Likely benign for Breast-ovarian cancer, familial, susceptibility to, 1. Last evaluated: 2023-08-15. Review status: criteria provided, single submitter. Criteria: ACMG Guidelines, 2015. Collection method: clinical testing. Allele origin: germline. Inheritance: Autosomal dominant inheritance. Observed: 2 variant alleles, 2 heterozygotes. Not counted in ClinVar's aggregate classification.
Comment: This study involves interpretation of variants in research participants for the purpose of population health screening. Participant phenotype was not available at the time of variant classification. Additional details can be found in publication PMID: 35346344, PMCID: PMC8962531

Quest Diagnostics Nichols Institute San Juan Capistrano
Classification: Likely benign. Last evaluated: 2020-11-13. Review status: criteria provided, single submitter. Criteria: Quest Diagnostics criteria. Collection method: clinical testing. Allele origin: unknown. Not counted in ClinVar's aggregate classification.

Illumina Laboratory Services, Illumina
Classification: Uncertain significance for Breast-ovarian cancer, familial, susceptibility to, 1. Last evaluated: 2018-01-12. Review status: criteria provided, single submitter. Criteria: ICSL Variant Classification Criteria 13 December 2019. Collection method: clinical testing. Allele origin: germline. Not counted in ClinVar's aggregate classification.

Color Diagnostics, LLC DBA Color Health
Classification: Likely benign for Hereditary cancer-predisposing syndrome. Last evaluated: 2017-09-14. Review status: criteria provided, single submitter. Criteria: ACMG Guidelines, 2015. Collection method: clinical testing. Allele origin: germline. Not counted in ClinVar's aggregate classification.

Ambry Genetics
Classification: Likely benign for Hereditary cancer-predisposing syndrome. Last evaluated: 2016-02-04. Review status: criteria provided, single submitter. Criteria: Ambry Variant Classification Scheme 2023. Collection method: clinical testing. Allele origin: germline. Not counted in ClinVar's aggregate classification.

Brotman Baty Institute, University of Washington
No classification provided (evidence only). Condition: Breast-ovarian cancer, familial 1. Review status: no classification provided. Collection method: in vitro. Allele origin: not applicable. Functional consequence: functionally_normal. Not counted in ClinVar's aggregate classification.
ClinVar note: "not provided" was previously submitted as the classification for the variant. However, the classification appeared to be based only on an observation of functional data so it was converted to no classification on 2025-07-30.

Literature cited by the submitters: PubMed 30209399 (cited by Labcorp Genetics (formerly Invitae), Labcorp).

NM_007294.4(BRCA1):c.5466T>C (p.His1822=)

Gene: BRCA1 (BRCA1 DNA repair associated; minus strand). Cytogenetic location: 17q21.31.
Variant type: single nucleotide variant.
Coding change: c.5466T>C on transcript NM_007294.4 (MANE Select); coding-DNA position 5466, T replaced by C.
Protein change: p.His1822=; no amino-acid change (histidine 1822 retained).
Molecular consequence: synonymous variant. On other transcripts: missense variant (17).
Genome position (GRCh38, 1-based): chr17:43,047,644, A>G on the plus strand (T>C on the coding strand, the complement: BRCA1 is on the minus strand). VCF-style: chr17-43047644-A-G. GRCh37 (hg19) VCF-style: chr17-41199661-A-G.
Other names: c.5253T>C, p.His1751= (NM_001407571.1, NM_001407894.1, NM_001407895.1 and 12 more transcripts); c.5532T>C, p.His1844= (NM_001407581.1, NM_001407582.1); c.5529T>C, p.His1843= (NM_001407583.1, NM_001407585.1, NM_001407587.1 and 1 more transcripts); c.5526T>C, p.His1842= (NM_001407590.1, NM_001407591.1); c.5466T>C, p.His1822= (NM_001407593.1, NM_001407594.1, NM_001407596.1 and 5 more transcripts); c.5463T>C, p.His1821= (NM_001407610.1, NM_001407611.1, NM_001407612.1 and 14 more transcripts); c.5460T>C, p.His1820= (NM_001407627.1, NM_001407628.1, NM_001407629.1 and 13 more transcripts); c.5457T>C, p.His1819= (NM_001407644.1, NM_001407645.1); and 83 more; short protein forms C694R, C1750R, C1796R, C1755R, C1756R, C1798R, C1751R, C1757R.
Identifiers: ClinVar variation 323421 (VCV000323421.25), dbSNP rs886052975, ClinGen allele CA10590422.
Genomic context (GRCh38, chr17:43,047,644, plus strand): 5'-GATAAACCAAACCCATGCAAAAGGACCCCATATAGCACAGGTACATGCAGGCACCTTACC[A>G]TGGAAGCCATTGTCCTCTGTCCAGGCATCTGGCTGCACAACCACAATTGGGTGGACACCC-3'
Protein context (NP_009225.1, residues 1812-1832): PDAWTEDNGF[His1822=]AIGQMCEAPV